The following is an entry in ClinVar:

NM_015046.7(SETX):c.778T>A (p.Ser260Thr)

Gene: SETX (senataxin; minus strand). Cytogenetic location: 9q34.13.
Variant type: single nucleotide variant.
Coding change: c.778T>A on transcript NM_015046.7 (MANE Select); coding-DNA position 778, T replaced by A.
Protein change: p.Ser260Thr; replaces serine 260 with threonine.
Molecular consequence: missense variant.
Genome position (GRCh38, 1-based): chr9:132,334,668, A>T on the plus strand (T>A on the coding strand, the complement: SETX is on the minus strand). VCF-style: chr9-132334668-A-T. GRCh37 (hg19) VCF-style: chr9-135210055-A-T.
Other names: c.778T>A, p.Ser260Thr (NM_001351527.2, NM_001351528.2); short protein forms S260T.
Identifiers: ClinVar variation 3753937 (VCV003753937.2).

ClinVar aggregate classification (germline): Uncertain significance (1 of 4 stars; one submission).

Conditions:
Amyotrophic lateral sclerosis type 4 (ALS4). Also called: AMYOTROPHIC LATERAL SCLEROSIS 4, JUVENILE; NEURONOPATHY, DISTAL HEREDITARY MOTOR, WITH PYRAMIDAL FEATURES. Identifiers: Orphanet 357043, MedGen C1865409, MONDO:0011223, OMIM 602433.
Spinocerebellar ataxia, autosomal recessive, with axonal neuropathy 2 (SCAN2). Also called: ATAXIA-OCULOMOTOR APRAXIA 2; Ataxia with Oculomotor Apraxia Type 2; Ataxia-ocular apraxia-2; Ataxia with Oculomotor Apraxia. Identifiers: Orphanet 64753, MedGen C1853761, MONDO:0018996, OMIM 606002.

Submission:

Labcorp Genetics (formerly Invitae), Labcorp
Classification: Uncertain significance for Amyotrophic lateral sclerosis type 4; Spinocerebellar ataxia, autosomal recessive, with axonal neuropathy 2. Last evaluated: 2024-12-02. Review status: criteria provided, single submitter. Criteria: Invitae Variant Classification Sherloc (09022015). Collection method: clinical testing. Allele origin: germline.
Comment: This sequence change replaces serine, which is neutral and polar, with threonine, which is neutral and polar, at codon 260 of the SETX protein (p.Ser260Thr). This variant is not present in population databases (gnomAD no frequency). This variant has not been reported in the literature in individuals affected with SETX-related conditions. Invitae Evidence Modeling of protein sequence and biophysical properties (such as structural, functional, and spatial information, amino acid conservation, physicochemical variation, residue mobility, and thermodynamic stability) indicates that this missense variant is not expected to disrupt SETX protein function with a negative predictive value of 95%. In summary, the available evidence is currently insufficient to determine the role of this variant in disease. Therefore, it has been classified as a Variant of Uncertain Significance.